The following is an entry in ClinVar:

ClinVar aggregate classification (germline): Uncertain significance. Review status: criteria provided, multiple submitters, no conflicts (2 of 4 stars). 4 submissions from 4 submitters: Uncertain significance (4). Last evaluated 2025-12-10.

Conditions:
Mitochondrial complex I deficiency, nuclear type 1. Also called: NADH-COENZYME Q REDUCTASE DEFICIENCY; MITOCHONDRIAL NADH DEHYDROGENASE COMPONENT OF COMPLEX I, DEFICIENCY OF. Identifiers: MedGen C6022305, MONDO:0100224, OMIM 252010.
Inborn genetic diseases. Identifiers: MedGen C0950123, MeSH D030342.

Allele frequency attached by ClinVar (database versions not stated): ExAC 0.00002; gnomAD 0.00004; gnomAD exomes 0.00004; TOPMed 0.00011.
gnomAD v4.1: 54 of 1,612,022 alleles (0.0033%); highest among the groups gnomAD compares: East Asian, 0.029%; no homozygotes.

Submissions (4):

GeneDx
Classification: Uncertain significance. Last evaluated: 2025-12-10. Review status: criteria provided, single submitter. Criteria: GeneDx Variant Classification Process June 2021. Collection method: clinical testing. Allele origin: germline. Affected: yes.
Comment: Has not been previously published as pathogenic or benign to our knowledge; In silico analysis suggests that this missense variant does not alter protein structure/function

Labcorp Genetics (formerly Invitae), Labcorp
Classification: Uncertain significance. Last evaluated: 2022-11-02. Review status: criteria provided, single submitter. Criteria: Invitae Variant Classification Sherloc (09022015). Collection method: clinical testing. Allele origin: germline.
Comment: This sequence change replaces lysine, which is basic and polar, with arginine, which is basic and polar, at codon 184 of the FOXRED1 protein (p.Lys184Arg). This variant is present in population databases (rs368843227, gnomAD 0.04%). This variant has not been reported in the literature in individuals affected with FOXRED1-related conditions. ClinVar contains an entry for this variant (Variation ID: 879517). Algorithms developed to predict the effect of missense changes on protein structure and function (SIFT, PolyPhen-2, Align-GVGD) all suggest that this variant is likely to be tolerated. In summary, the available evidence is currently insufficient to determine the role of this variant in disease. Therefore, it has been classified as a Variant of Uncertain Significance.

Ambry Genetics
Classification: Uncertain significance for Inborn genetic diseases. Last evaluated: 2021-10-13. Review status: criteria provided, single submitter. Criteria: Ambry Variant Classification Scheme 2023. Collection method: clinical testing. Allele origin: germline.

Illumina Laboratory Services, Illumina
Classification: Uncertain significance for Mitochondrial complex I deficiency, nuclear type 1. Last evaluated: 2018-01-13. Review status: criteria provided, single submitter. Criteria: ICSL Variant Classification Criteria 13 December 2019. Collection method: clinical testing. Allele origin: germline.

NM_017547.4(FOXRED1):c.551A>G (p.Lys184Arg)

Gene: FOXRED1 (FAD dependent oxidoreductase domain containing 1; plus strand). Cytogenetic location: 11q24.2.
Variant type: single nucleotide variant.
Coding change: c.551A>G on transcript NM_017547.4 (MANE Select); coding-DNA position 551, A replaced by G.
Protein change: p.Lys184Arg; replaces lysine 184 with arginine.
Molecular consequence: missense variant. On other transcripts: non-coding transcript variant (2).
Genome position (GRCh38, 1-based): chr11:126,274,941, A>G. VCF-style: chr11-126274941-A-G. GRCh37 (hg19) VCF-style: chr11-126144836-A-G.
Other names: short protein forms K184R.
Identifiers: ClinVar variation 879517 (VCV000879517.10), dbSNP rs368843227, ClinGen allele CA6354132.